The following is an entry in ClinVar:

ClinVar aggregate classification (germline): Uncertain significance (1 of 4 stars; one submission).

Submission:

Labcorp Genetics (formerly Invitae), Labcorp
Classification: Uncertain significance. Last evaluated: 2023-01-13. Review status: criteria provided, single submitter. Criteria: Invitae Variant Classification Sherloc (09022015). Collection method: clinical testing. Allele origin: germline.
Comment: In summary, the available evidence is currently insufficient to determine the role of this variant in disease. Therefore, it has been classified as a Variant of Uncertain Significance. Algorithms developed to predict the effect of missense changes on protein structure and function output the following: SIFT: "Tolerated"; PolyPhen-2: "Benign"; Align-GVGD: "Class C0". The glutamic acid amino acid residue is found in multiple mammalian species, which suggests that this missense change does not adversely affect protein function. This variant has not been reported in the literature in individuals affected with KAT6A-related conditions. This variant is not present in population databases (gnomAD no frequency). This sequence change replaces lysine, which is basic and polar, with glutamic acid, which is acidic and polar, at codon 882 of the KAT6A protein (p.Lys882Glu).

NM_006766.5(KAT6A):c.2644A>G (p.Lys882Glu)

Gene: KAT6A (lysine acetyltransferase 6A; minus strand). Cytogenetic location: 8p11.21.
Variant type: single nucleotide variant.
Coding change: c.2644A>G on transcript NM_006766.5 (MANE Select); coding-DNA position 2644, A replaced by G.
Protein change: p.Lys882Glu; replaces lysine 882 with glutamic acid.
Molecular consequence: missense variant.
Genome position (GRCh38, 1-based): chr8:41,941,237, T>C on the plus strand (A>G on the coding strand, the complement: KAT6A is on the minus strand). VCF-style: chr8-41941237-T-C. GRCh37 (hg19) VCF-style: chr8-41798755-T-C.
Other names: short protein forms K882E.
Identifiers: ClinVar variation 2828254 (VCV002828254.3), dbSNP rs2486771652, ClinGen allele CA371071981.